The following is an entry in ClinVar:

ClinVar aggregate classification (germline): Uncertain significance (1 of 4 stars; one submission).

Conditions:
Inborn genetic diseases. Identifiers: MedGen C0950123, MeSH D030342.

Submission:

Ambry Genetics
Classification: Uncertain significance for Inborn genetic diseases. Last evaluated: 2023-01-24. Review status: criteria provided, single submitter. Criteria: Ambry Variant Classification Scheme 2023. Collection method: clinical testing. Allele origin: germline.
Comment: The p.E1981K variant (also known as c.5941G>A), located in coding exon 35 of the ATR gene, results from a G to A substitution at nucleotide position 5941. The glutamic acid at codon 1981 is replaced by lysine, an amino acid with similar properties. This amino acid position is conserved. In addition, this alteration is predicted to be tolerated by in silico analysis. Since supporting evidence is limited at this time, the clinical significance of this alteration remains unclear.

NM_001184.4(ATR):c.5941G>A (p.Glu1981Lys)

Gene: ATR (ATR checkpoint kinase; minus strand). Cytogenetic location: 3q23.
Variant type: single nucleotide variant.
Coding change: c.5941G>A on transcript NM_001184.4 (MANE Select); coding-DNA position 5941, G replaced by A.
Protein change: p.Glu1981Lys; replaces glutamic acid 1981 with lysine.
Molecular consequence: missense variant.
Genome position (GRCh38, 1-based): chr3:142,493,269, C>T on the plus strand (G>A on the coding strand, the complement: ATR is on the minus strand). VCF-style: chr3-142493269-C-T. GRCh37 (hg19) VCF-style: chr3-142212111-C-T.
Other names: c.5749G>A, p.Glu1917Lys (NM_001354579.2); short protein forms E1981K, E1917K.
Identifiers: ClinVar variation 2496634 (VCV002496634.2), dbSNP rs2473143300, ClinGen allele CA354811774.